The following is an entry in ClinVar:

ClinVar aggregate classification (germline): Uncertain significance (1 of 4 stars; one submission).

Conditions:
Inborn genetic diseases. Identifiers: MedGen C0950123, MeSH D030342.

Submission:

Ambry Genetics
Classification: Uncertain significance for Inborn genetic diseases. Last evaluated: 2026-04-24. Review status: criteria provided, single submitter. Criteria: Ambry Variant Classification Scheme 2023. Collection method: clinical testing. Allele origin: germline.
Comment: The p.D150G variant (also known as c.449A>G), located in coding exon 6 of the ASXL1 gene, results from an A to G substitution at nucleotide position 449. The aspartic acid at codon 150 is replaced by glycine, an amino acid with similar properties. This amino acid position is conserved. In addition, this alteration is predicted to be tolerated by in silico analysis. Based on the available evidence, the clinical significance of this variant remains unclear.

NM_015338.6(ASXL1):c.449A>G (p.Asp150Gly)

Gene: ASXL1 (ASXL transcriptional regulator 1; plus strand). Cytogenetic location: 20q11.21.
Variant type: single nucleotide variant.
Coding change: c.449A>G on transcript NM_015338.6 (MANE Select); coding-DNA position 449, A replaced by G.
Protein change: p.Asp150Gly; replaces aspartic acid 150 with glycine.
Molecular consequence: missense variant.
Genome position (GRCh38, 1-based): chr20:32,428,400, A>G. VCF-style: chr20-32428400-A-G. GRCh37 (hg19) VCF-style: chr20-31016203-A-G.
Other names: c.419A>G, p.Asp140Gly (NM_001363734.1); short protein forms D140G, D150G.
Identifiers: ClinVar variation 4864355 (VCV004864355.1).